The following is an entry in ClinVar:

ClinVar aggregate classification (germline): Uncertain significance. Review status: criteria provided, multiple submitters, no conflicts (2 of 4 stars). 2 submissions from 2 submitters: Uncertain significance (2). Last evaluated 2026-01-15.

Allele frequency attached by ClinVar (database versions not stated): ExAC 0.00001; gnomAD exomes 0.00001 and 0.00002; gnomAD 0.00005; TOPMed 0.00009.
gnomAD v4.1: 38 of 1,613,996 alleles (0.0024%); highest among the groups gnomAD compares: Admixed American, 0.02%; no homozygotes.

Submissions (2):

Labcorp Genetics (formerly Invitae), Labcorp
Classification: Uncertain significance. Last evaluated: 2026-01-15. Review status: criteria provided, single submitter. Criteria: Invitae Variant Classification Sherloc (09022015). Collection method: clinical testing. Allele origin: germline.
Comment: This sequence change replaces aspartic acid, which is acidic and polar, with histidine, which is basic and polar, at codon 200 of the KIF20A protein (p.Asp200His). This variant is present in population databases (rs750125537, gnomAD 0.003%). This variant has not been reported in the literature in individuals affected with KIF20A-related conditions. ClinVar contains an entry for this variant (Variation ID: 1365821). An algorithm developed to predict the effect of missense changes on protein structure and function (PolyPhen-2) suggests that this variant is likely to be disruptive. In summary, the available evidence is currently insufficient to determine the role of this variant in disease. Therefore, it has been classified as a Variant of Uncertain Significance.

Ambry Genetics
Classification: Uncertain significance. Last evaluated: 2025-12-02. Review status: criteria provided, single submitter. Criteria: Ambry Variant Classification Scheme 2023. Collection method: clinical testing. Allele origin: germline.

NM_005733.3(KIF20A):c.598G>C (p.Asp200His)

Gene: KIF20A (kinesin family member 20A; plus strand). Cytogenetic location: 5q31.2.
Variant type: single nucleotide variant.
Coding change: c.598G>C on transcript NM_005733.3 (MANE Select); coding-DNA position 598, G replaced by C.
Protein change: p.Asp200His; replaces aspartic acid 200 with histidine.
Molecular consequence: missense variant.
Genome position (GRCh38, 1-based): chr5:138,182,669, G>C. VCF-style: chr5-138182669-G-C. GRCh37 (hg19) VCF-style: chr5-137518358-G-C.
Other names: c.598G>C (NM_005733.2); short protein forms D200H.
Identifiers: ClinVar variation 1365821 (VCV001365821.8), dbSNP rs750125537, ClinGen allele CA3426354.
Genomic context (GRCh38, chr5:138,182,669, plus strand): 5'-CTCCCCCGGTCCCTGGCGCTGATCTTCAATAGCCTCCAAGGCCAACTTCATCCAACACCT[G>C]ATCTGAAGCCCTTGCTCTCCAATGAGGTAATCTGGCTAGACAGCAAGCAGATCCGACAGG-3'
Protein context (NP_005724.1, residues 190-210): SLQGQLHPTP[Asp200His]LKPLLSNEVI